The following is an entry in ClinVar:

NM_001161352.2(KCNMA1):c.1870G>T (p.Val624Leu)

Gene: KCNMA1 (potassium calcium-activated channel subfamily M alpha 1; minus strand). Cytogenetic location: 10q22.3.
Variant type: single nucleotide variant.
Coding change: c.1870G>T on transcript NM_001161352.2 (MANE Select); coding-DNA position 1870, G replaced by T.
Protein change: p.Val624Leu; replaces valine 624 with leucine.
Molecular consequence: missense variant.
Genome position (GRCh38, 1-based): chr10:77,027,881, C>A on the plus strand (G>T on the coding strand, the complement: KCNMA1 is on the minus strand). VCF-style: chr10-77027881-C-A. GRCh37 (hg19) VCF-style: chr10-78787639-C-A.
Other names: c.1870G>T, p.Val624Leu (NM_001014797.3, NM_001161353.2, NM_001271519.2 and 7 more transcripts); c.1708G>T, p.Val570Leu (NM_001271518.2); c.1330G>T, p.Val444Leu (NM_001322838.2); short protein forms V444L, V570L, V624L.
Identifiers: ClinVar variation 1409953 (VCV001409953.6), dbSNP rs2153527454, ClinGen allele CA377409787.

ClinVar aggregate classification (germline): Uncertain significance (1 of 4 stars; one submission).

Conditions:
Generalized epilepsy-paroxysmal dyskinesia syndrome (PNKD3). Also called: Generalized epilepsy and paroxysmal dyskinesia; Paroxysmal nonkinesigenic dyskinesia, 3, with or without generalized epilepsy. Identifiers: Orphanet 79137, MedGen C5574945, MONDO:0012276, OMIM 609446.

Submission:

Labcorp Genetics (formerly Invitae), Labcorp
Classification: Uncertain significance for Generalized epilepsy-paroxysmal dyskinesia syndrome. Last evaluated: 2022-03-18. Review status: criteria provided, single submitter. Criteria: Invitae Variant Classification Sherloc (09022015). Collection method: clinical testing. Allele origin: germline.
Comment: This variant has not been reported in the literature in individuals affected with KCNMA1-related conditions. Algorithms developed to predict the effect of missense changes on protein structure and function (SIFT, PolyPhen-2, Align-GVGD) all suggest that this variant is likely to be tolerated. In summary, the available evidence is currently insufficient to determine the role of this variant in disease. Therefore, it has been classified as a Variant of Uncertain Significance. This variant is not present in population databases (gnomAD no frequency). This sequence change replaces valine, which is neutral and non-polar, with leucine, which is neutral and non-polar, at codon 624 of the KCNMA1 protein (p.Val624Leu).